The following is an entry in ClinVar:

NM_012414.4(RAB3GAP2):c.2176A>G (p.Ile726Val)

Gene: RAB3GAP2 (RAB3 GTPase activating non-catalytic protein subunit 2; minus strand). Cytogenetic location: 1q41.
Variant type: single nucleotide variant.
Coding change: c.2176A>G on transcript NM_012414.4 (MANE Select); coding-DNA position 2176, A replaced by G.
Protein change: p.Ile726Val; replaces isoleucine 726 with valine.
Molecular consequence: missense variant.
Genome position (GRCh38, 1-based): chr1:220,182,754, T>C on the plus strand (A>G on the coding strand, the complement: RAB3GAP2 is on the minus strand). VCF-style: chr1-220182754-T-C. GRCh37 (hg19) VCF-style: chr1-220356096-T-C.
Other names: short protein forms I726V.
Identifiers: ClinVar variation 1188577 (VCV001188577.10), dbSNP rs148513462, ClinGen allele CA1402495.

ClinVar aggregate classification (germline): Conflicting classifications of pathogenicity. Review status: criteria provided, conflicting classifications (1 of 4 stars). 3 submissions from 3 submitters: Uncertain significance (2); Likely benign (1). Last evaluated 2022-10-25.

Conditions:
Inborn genetic diseases. Identifiers: MedGen C0950123, MeSH D030342.
Warburg micro syndrome 2 (WARBM2). Also called: MICRO SYNDROME 2. Identifiers: Orphanet 2510, MedGen C3280214, MONDO:0013641, OMIM 614225.
Martsolf syndrome (MARTS). Also called: Congenital cataract with intellectual disability and hypogonadotropic hypogonadism syndrome. Identifiers: Orphanet 1387, MedGen C0796037, MONDO:0023910.

Allele frequency attached by ClinVar (database versions not stated): ExAC 0.00009; gnomAD 0.00019 and 0.00020; ESP Exome Variant Server 0.00031.
gnomAD v4.1: 129 of 1,610,374 alleles (0.008%); highest among the groups gnomAD compares: African/African-American, 0.049%; no homozygotes.

Submissions (3):

Labcorp Genetics (formerly Invitae), Labcorp
Classification: Uncertain significance for Martsolf syndrome; Warburg micro syndrome 2. Last evaluated: 2022-10-25. Review status: criteria provided, single submitter. Criteria: Invitae Variant Classification Sherloc (09022015). Collection method: clinical testing. Allele origin: germline.
Comment: This sequence change replaces isoleucine, which is neutral and non-polar, with valine, which is neutral and non-polar, at codon 726 of the RAB3GAP2 protein (p.Ile726Val). This variant is present in population databases (rs148513462, gnomAD 0.05%). This variant has not been reported in the literature in individuals affected with RAB3GAP2-related conditions. ClinVar contains an entry for this variant (Variation ID: 1188577). Advanced modeling of protein sequence and biophysical properties (such as structural, functional, and spatial information, amino acid conservation, physicochemical variation, residue mobility, and thermodynamic stability) performed at Invitae indicates that this missense variant is not expected to disrupt RAB3GAP2 protein function. In summary, the available evidence is currently insufficient to determine the role of this variant in disease. Therefore, it has been classified as a Variant of Uncertain Significance.

GeneDx
Classification: Uncertain significance. Last evaluated: 2022-06-30. Review status: criteria provided, single submitter. Criteria: GeneDx Variant Classification Process June 2021. Collection method: clinical testing. Allele origin: germline. Affected: yes.
Comment: In silico analysis supports that this missense variant does not alter protein structure/function; Has not been previously published as pathogenic or benign to our knowledge

Ambry Genetics
Classification: Likely benign for Inborn genetic diseases. Last evaluated: 2022-05-26. Review status: criteria provided, single submitter. Criteria: Ambry Variant Classification Scheme 2023. Collection method: clinical testing. Allele origin: germline.